The following is an entry in ClinVar:

ClinVar aggregate classification (germline): Benign. Review status: criteria provided, multiple submitters, no conflicts (2 of 4 stars). 5 submissions from 5 submitters: Benign (5). Last evaluated 2026-02-02.

Allele frequency attached by ClinVar (database versions not stated): gnomAD 0.04157 and 0.04480; 1000 Genomes Project 0.04692; ESP Exome Variant Server 0.04721; TOPMed 0.04753; 1000 Genomes Project 30x 0.05012.
gnomAD v4.1: 13,007 of 1,612,026 alleles (0.81%); highest among the groups gnomAD compares: African/African-American, 14%; 799 homozygotes.

Submissions (5):

Labcorp Genetics (formerly Invitae), Labcorp
Classification: Benign. Last evaluated: 2026-02-02. Review status: criteria provided, single submitter. Criteria: Invitae Variant Classification Sherloc (09022015). Collection method: clinical testing. Allele origin: germline.

Blueprint Genetics
Classification: Benign. Last evaluated: 2024-11-13. Review status: criteria provided, single submitter. Criteria: ACMG Guidelines, 2015. Collection method: clinical testing. Allele origin: germline.

GeneDx
Classification: Benign. Last evaluated: 2018-06-16. Review status: criteria provided, single submitter. Criteria: GeneDx Variant Classification (06012015). Collection method: clinical testing. Allele origin: germline. Affected: yes.
Comment: This variant is considered likely benign or benign based on one or more of the following criteria: it is a conservative change, it occurs at a poorly conserved position in the protein, it is predicted to be benign by multiple in silico algorithms, and/or has population frequency not consistent with disease.

Breakthrough Genomics
Classification: Benign. Review status: criteria provided, single submitter. Criteria: ACMG Guidelines, 2015. Collection method: not provided. Allele origin: germline. Inheritance: Autosomal recessive inheritance. Affected: yes.

PreventionGenetics, part of Exact Sciences
Classification: Benign. Review status: criteria provided, single submitter. Criteria: ACMG Guidelines, 2015. Collection method: clinical testing. Allele origin: germline.

NM_057176.3(BSND):c.272+20G>A

Gene: BSND (barttin CLCNK type accessory subunit beta; plus strand). Cytogenetic location: 1p32.3.
Variant type: single nucleotide variant.
Coding change: c.272+20G>A on transcript NM_057176.3 (MANE Select); 20 bases into the intron after coding-DNA position 272, G replaced by A.
Molecular consequence: intron variant.
Genome position (GRCh38, 1-based): chr1:55,005,136, G>A. VCF-style: chr1-55005136-G-A. GRCh37 (hg19) VCF-style: chr1-55470809-G-A.
Identifiers: ClinVar variation 262299 (VCV000262299.11), dbSNP rs79445756, ClinGen allele CA871276.